The following continues an entry in ClinVar:

NM_007194.4(CHEK2):c.277del (p.Trp93fs)

Gene: CHEK2. ClinVar aggregate classification (germline): Pathogenic. Pathogenic (18).

Submissions 11 to 19 of 19:

Myriad Genetics, Inc.
Classification: Pathogenic for Familial cancer of breast. Last evaluated: 2023-03-08. Review status: criteria provided, single submitter. Criteria: Myriad Autosomal Dominant, Autosomal Recessive and X-Linked Classification Criteria (2023). Collection method: clinical testing. Allele origin: unknown.
Comment: This variant is considered pathogenic. This variant creates a frameshift predicted to result in premature protein truncation.

Women's Health and Genetics/Laboratory Corporation of America, LabCorp
Classification: Pathogenic for Hereditary breast ovarian cancer syndrome. Last evaluated: 2022-12-05. Review status: criteria provided, single submitter. Criteria: LabCorp Variant Classification Summary - May 2015. Collection method: clinical testing. Allele origin: germline.
Comment: Variant summary: CHEK2 c.277delT (p.Trp93GlyfsX17) results in a premature termination codon, predicted to cause a truncation of the encoded protein or absence of the protein due to nonsense mediated decay, which are commonly known mechanisms for disease. Truncations downstream of this position have been classified as pathogenic by our laboratory. The variant was absent in 251224 control chromosomes. c.277delT has been reported in the literature in multiple individuals affected with Hereditary Breast And Ovarian Cancer Syndrome (eg. Lhota_2016, Kleiblova_2019, Lu_2018). These data indicate that the variant is very likely to be associated with disease. Co-occurrence with another (likely) pathogenic variant was reported in one of these patients (CHEK2 c.444+1G>A, p.E149fs*6), although other patients with similar diagnoses did not have such co-occurrences (Kleiblova_2019). One publication reports experimental evidence evaluating an impact on protein function, showing a large reduction in phosphorylating activity on the target Kap1 (Boonen_2022). 11 laboratories have submitted clinical-significance assessments for this variant to ClinVar after 2014. All laboratories classified the variant as pathogenic. Based on the evidence outlined above, the variant was classified as pathogenic.

MGZ Medical Genetics Center
Classification: Pathogenic for Familial cancer of breast. Last evaluated: 2022-09-06. Review status: criteria provided, single submitter. Criteria: ACMG Guidelines, 2015. Collection method: clinical testing. Allele origin: germline. Affected: yes. Observed: 6 variant alleles.
Comment: ACMG criteria applied: PVS1, PS4_MOD, PS3_SUP, PM2_SUP

GeneDx
Classification: Pathogenic. Last evaluated: 2022-08-01. Review status: criteria provided, single submitter. Criteria: GeneDx Variant Classification Process June 2021. Collection method: clinical testing. Allele origin: germline. Affected: yes.
Comment: Frameshift variant predicted to result in protein truncation or nonsense mediated decay in a gene for which loss-of-function is a known mechanism of disease; Not observed in large population cohorts (gnomAD); This variant is associated with the following publications: (PMID: 30303537, 26681312, 26822949, 27751358, 30093976, 31050813, 30875412, 34903604)

Color Diagnostics, LLC DBA Color Health
Classification: Pathogenic for Hereditary cancer-predisposing syndrome. Last evaluated: 2022-04-25. Review status: criteria provided, single submitter. Criteria: ACMG Guidelines, 2015. Collection method: clinical testing. Allele origin: germline.
Comment: This variant deletes 1 nucleotide in exon 2 of the CHEK2 gene, creating a frameshift and premature translation stop signal. This variant is expected to result in an absent or non-functional protein product. To our knowledge, this variant has been reported in individuals affected with breast cancer in the literature (PMID: 26681312, 26822949, 30875412, 30093976, 31050813, 30303537). This variant has not been identified in the general population by the Genome Aggregation Database (gnomAD). Loss of CHEK2 function is a known mechanism of disease. Based on the available evidence, this variant is classified as Pathogenic.

Sema4
Classification: Pathogenic for Hereditary cancer-predisposing syndrome. Last evaluated: 2021-10-25. Review status: criteria provided, single submitter. Criteria: Sema4 Curation Guidelines. Collection method: curation. Allele origin: germline.
Comment: The CHEK2 c.277delT (p.W93GfsX17) variant has been reported in heterozygosity in several individuals with unilateral and bilateral breast cancer, and in one patient also diagnosed with melanoma (PMID: 26822949, 26681312, 30093976, 30303537, 30875412, 31050813, 30128536). This variant causes a frameshift at amino acid 93 that results in premature termination 17 amino acids downstream. At this location, this is predicted to cause nonsense-mediated decay and result in an absent protein (loss of function). Loss of function variants in CHEK2 are known to be pathogenic (PMID: 21876083, 24713400). This variant is not reported in the population database Genome Aggregation Database (PMID: 32461654). This variant has been reported in ClinVar (Variation ID: 187085). Based on the current evidence available, this variant is interpreted as pathogenic.

Genetic Services Laboratory, University of Chicago
Classification: Pathogenic. Last evaluated: 2021-10-11. Review status: criteria provided, single submitter. Criteria: ACMG Guidelines, 2015. Collection method: clinical testing. Allele origin: germline. Affected: yes.

Juno Genomics, Hangzhou Juno Genomics, Inc
Classification: Pathogenic for CHEK2-related cancer predisposition; Bone osteosarcoma; Familial prostate cancer. Review status: criteria provided, single submitter. Criteria: ACMG Guidelines, 2015. Collection method: clinical testing. Allele origin: germline.
Comment: Absent from controls (or at extremely low frequency if recessive) in Genome Aggregation Database.;Null variant in a gene where loss of function (LOF) is a known mechanism of disease.;The prevalence of the variant in affected individuals is significantly increased compared to the prevalence in controls.

Counsyl
Classification: Pathogenic for Familial cancer of breast. Last evaluated: 2016-08-04. Review status: no assertion criteria provided. Collection method: clinical testing. Allele origin: unknown. Not counted in ClinVar's aggregate classification.

Literature cited by the submitters: PubMed 21876083 (cited by Labcorp Genetics (formerly Invitae), Labcorp and Sema4); PubMed 24713400 (cited by Labcorp Genetics (formerly Invitae), Labcorp and Sema4); PubMed 26822949 (cited by 7 submitters); PubMed 30093976 (cited by 4 submitters); PubMed 26681312 (cited by 4 submitters); PubMed 27751358 (cited by Quest Diagnostics Nichols Institute San Juan Capistrano); PubMed 30128536 (cited by 3 submitters); PubMed 30303537 (cited by 3 submitters); PubMed 31050813 (cited by 4 submitters); PubMed 35643632 (cited by Quest Diagnostics Nichols Institute San Juan Capistrano and Women's Health and Genetics/Laboratory Corporation of America, LabCorp); PubMed 33471991 (cited by Quest Diagnostics Nichols Institute San Juan Capistrano); PubMed 32805687 (cited by Quest Diagnostics Nichols Institute San Juan Capistrano); PubMed 35626031 (cited by Quest Diagnostics Nichols Institute San Juan Capistrano); PubMed 30875412 (cited by Color Diagnostics, LLC DBA Color Health and Sema4).